The following is an entry in ClinVar:

NM_001159699.2(FHL1):c.607G>T (p.Val203Leu)

Gene: FHL1 (four and a half LIM domains 1; plus strand). Cytogenetic location: Xq26.3.
Variant type: single nucleotide variant.
Coding change: c.607G>T on transcript NM_001159699.2 (MANE Select); coding-DNA position 607, G replaced by T.
Protein change: p.Val203Leu; replaces valine 203 with leucine.
Molecular consequence: missense variant. On other transcripts: non-coding transcript variant (1), intron variant (2).
Genome position (GRCh38, 1-based): chrX:136,208,512, G>T. VCF-style: chrX-136208512-G-T. GRCh37 (hg19) VCF-style: chrX-135290671-G-T.
Other names: c.559G>T, p.Val187Leu (NM_001159700.2, NM_001159702.3, NM_001159704.1 and 8 more transcripts); c.646G>T, p.Val216Leu (NM_001159701.2); c.501+551G>T (NM_001159703.2); c.549+551G>T (NM_001330659.2); short protein forms V187L, V216L, V203L.
Identifiers: ClinVar variation 1410385 (VCV001410385.8), dbSNP rs1300278653, ClinGen allele CA414608823.
Genomic context (GRCh38, chrX:136,208,512, plus strand): 5'-TAGGCCATCACATCTGGAGGAATCACTTACCAGGATCAGCCCTGGCATGCCGATTGCTTT[G>T]TGTGTGTTACCTGCTCTAAGAAGCTGGCTGGGCAGCGTTTCACCGCTGTGGAGGACCAGT-3'
Protein context (NP_001153171.1, residues 193-213): QDQPWHADCF[Val203Leu]CVTCSKKLAG

ClinVar aggregate classification (germline): Uncertain significance (1 of 4 stars; one submission).

Conditions:
X-linked myopathy with postural muscle atrophy. Also called: FHL1-Related Emery-Dreifuss Muscular Dystrophy, X-Linked. Identifiers: Orphanet 178461, MedGen C2678055, MONDO:0010401, OMIM 300696.

Allele frequency attached by ClinVar (database versions not stated): gnomAD exomes below 0.00001 and 0.00001.
gnomAD v4.1: 4 of 1,211,861 alleles (0.00033%); highest among the groups gnomAD compares: Non-Finnish European, 0.00045%; no homozygotes.

Submission:

Labcorp Genetics (formerly Invitae), Labcorp
Classification: Uncertain significance for X-linked myopathy with postural muscle atrophy. Last evaluated: 2024-10-21. Review status: criteria provided, single submitter. Criteria: Invitae Variant Classification Sherloc (09022015). Collection method: clinical testing. Allele origin: germline.
Comment: This sequence change replaces valine, which is neutral and non-polar, with leucine, which is neutral and non-polar, at codon 187 of the FHL1 protein (p.Val187Leu). This variant is present in population databases (no rsID available, gnomAD 0.001%). This variant has not been reported in the literature in individuals affected with FHL1-related conditions. ClinVar contains an entry for this variant (Variation ID: 1410385). An algorithm developed to predict the effect of missense changes on protein structure and function (PolyPhen-2) suggests that this variant is likely to be tolerated. In summary, the available evidence is currently insufficient to determine the role of this variant in disease. Therefore, it has been classified as a Variant of Uncertain Significance.